The following is an entry in ClinVar:

ClinVar aggregate classification (germline): Uncertain significance (1 of 4 stars; one submission).

Conditions:
Primary ciliary dyskinesia. Also called: Ciliary dyskinesia. Identifiers: Orphanet 244, MedGen C0008780, MONDO:0016575, HP:0012265.

Submission:

Labcorp Genetics (formerly Invitae), Labcorp
Classification: Uncertain significance for Primary ciliary dyskinesia. Last evaluated: 2022-01-13. Review status: criteria provided, single submitter. Criteria: Invitae Variant Classification Sherloc (09022015). Collection method: clinical testing. Allele origin: germline.
Comment: This sequence change replaces histidine, which is basic and polar, with glutamine, which is neutral and polar, at codon 44 of the CCNO protein (p.His44Gln). This variant is not present in population databases (gnomAD no frequency). This variant has not been reported in the literature in individuals affected with CCNO-related conditions. Algorithms developed to predict the effect of missense changes on protein structure and function output the following: SIFT: "Tolerated"; PolyPhen-2: "Benign"; Align-GVGD: "Class C0". The glutamine amino acid residue is found in multiple mammalian species, which suggests that this missense change does not adversely affect protein function. In summary, the available evidence is currently insufficient to determine the role of this variant in disease. Therefore, it has been classified as a Variant of Uncertain Significance.

NM_021147.5(CCNO):c.132T>G (p.His44Gln)

Gene: CCNO (cyclin O; minus strand). Cytogenetic location: 5q11.2.
Variant type: single nucleotide variant.
Coding change: c.132T>G on transcript NM_021147.5 (MANE Select); coding-DNA position 132, T replaced by G.
Protein change: p.His44Gln; replaces histidine 44 with glutamine.
Molecular consequence: missense variant. On other transcripts: non-coding transcript variant (2).
Genome position (GRCh38, 1-based): chr5:55,233,392, A>C on the plus strand (T>G on the coding strand, the complement: CCNO is on the minus strand). VCF-style: chr5-55233392-A-C. GRCh37 (hg19) VCF-style: chr5-54529220-A-C.
Other names: short protein forms H44Q.
Identifiers: ClinVar variation 2057711 (VCV002057711.1), dbSNP rs1745660550, ClinGen allele CA359725513.